The following is an entry in ClinVar:

NM_015378.4(VPS13D):c.1772C>G (p.Thr591Arg)

Gene: VPS13D (vacuolar protein sorting 13 homolog D; plus strand). Cytogenetic location: 1p36.22.
Variant type: single nucleotide variant.
Coding change: c.1772C>G on transcript NM_015378.4 (MANE Select); coding-DNA position 1772, C replaced by G.
Protein change: p.Thr591Arg; replaces threonine 591 with arginine.
Molecular consequence: missense variant.
Genome position (GRCh38, 1-based): chr1:12,267,891, C>G. VCF-style: chr1-12267891-C-G. GRCh37 (hg19) VCF-style: chr1-12327948-C-G.
Other names: p.Thr591Arg; c.1772C>G, p.Thr591Arg (NM_018156.4); short protein forms T591R.
Identifiers: ClinVar variation 4540654 (VCV004540654.1).

ClinVar aggregate classification (germline): Uncertain significance (1 of 4 stars; one submission).

gnomAD v4.1: 1 of 1,614,118 alleles (0.000062%); highest among the groups gnomAD compares: Non-Finnish European, 0.000085%; no homozygotes.

Submission:

Mayo Clinic Laboratories, Mayo Clinic
Classification: Uncertain significance. Last evaluated: 2025-05-27. Review status: criteria provided, single submitter. Criteria: ACMG Guidelines, 2015. Collection method: clinical testing. Allele origin: germline. Observed: 2 variant alleles.
Comment: BP4, PM2_supporting